The following is an entry in ClinVar:

ClinVar aggregate classification (germline): Likely benign. Review status: criteria provided, single submitter (1 of 4 stars). 3 submissions from 3 submitters: Likely benign (1). 2 of the submissions do not count toward it. Last evaluated 2025-11-05.

Conditions:
CHRND-related disorder. Also called: CHRND-Related Disorders; CHRND-related condition.
Lethal multiple pterygium syndrome (LMPS). Identifiers: Orphanet 33108, MedGen C1854678, MONDO:0009668, OMIM 253290.

Allele frequency attached by ClinVar (database versions not stated): gnomAD exomes 0.00009 and 0.00016; ExAC 0.00025; gnomAD 0.00046; TOPMed 0.00049; 1000 Genomes Project 30x 0.00062; 1000 Genomes Project 0.00080; ESP Exome Variant Server 0.00108.
gnomAD v4.1: 199 of 1,614,168 alleles (0.012%); highest among the groups gnomAD compares: African/African-American, 0.18%; no homozygotes.

Submissions (3):

Labcorp Genetics (formerly Invitae), Labcorp
Classification: Likely benign for Lethal multiple pterygium syndrome. Last evaluated: 2025-11-05. Review status: criteria provided, single submitter. Criteria: Invitae Variant Classification Sherloc (09022015). Collection method: clinical testing. Allele origin: germline.

PreventionGenetics, part of Exact Sciences
Classification: Likely benign for CHRND-related condition. Last evaluated: 2023-04-05. Review status: no assertion criteria provided. Collection method: clinical testing. Allele origin: germline. Not counted in ClinVar's aggregate classification.
Comment: This variant is classified as likely benign based on ACMG/AMP sequence variant interpretation guidelines (Richards et al. 2015 PMID: 25741868, with internal and published modifications).

Genetic Services Laboratory, University of Chicago
Classification: Likely benign for AllHighlyPenetrant. Review status: no assertion criteria provided. Collection method: clinical testing. Allele origin: germline. Not counted in ClinVar's aggregate classification.
Comment: Likely benign based on allele frequency in 1000 Genomes Project or ESP global frequency and its presence in a patient with a rare or unrelated disease phenotype. NOT Sanger confirmed.

NM_000751.3(CHRND):c.408C>T (p.Tyr136=)

Gene: CHRND (cholinergic receptor nicotinic delta subunit; plus strand). Cytogenetic location: 2q37.1.
Variant type: single nucleotide variant.
Coding change: c.408C>T on transcript NM_000751.3 (MANE Select); coding-DNA position 408, C replaced by T.
Protein change: p.Tyr136=; no amino-acid change (tyrosine 136 retained).
Molecular consequence: synonymous variant. On other transcripts: missense variant (1).
Genome position (GRCh38, 1-based): chr2:232,528,555, C>T. VCF-style: chr2-232528555-C-T. GRCh37 (hg19) VCF-style: chr2-233393265-C-T.
Other names: c.363C>T, p.Tyr121= (NM_001256657.2); c.137C>T, p.Thr46Met (NM_001311195.2); c.105C>T, p.Tyr35= (NM_001311196.2); c.137C>T (NM_001311195.1); short protein forms T46M.
Identifiers: ClinVar variation 128759 (VCV000128759.16), dbSNP rs112921420, ClinGen allele CA152402.